The following is an entry in ClinVar:

NM_133368.3(RSPRY1):c.1A>G (p.Met1Val)

Gene: RSPRY1 (ring finger and SPRY domain containing 1; plus strand). Cytogenetic location: 16q13.
Variant type: single nucleotide variant.
Coding change: c.1A>G on transcript NM_133368.3 (MANE Select); coding-DNA position 1, A replaced by G.
Protein change: p.Met1Val; changes the start codon (methionine 1).
Molecular consequence: missense variant, initiator codon variant.
Genome position (GRCh38, 1-based): chr16:57,204,659, A>G. VCF-style: chr16-57204659-A-G. GRCh37 (hg19) VCF-style: chr16-57238571-A-G.
Other names: c.1A>G, p.Met1Val (NM_001305163.2, NM_001305164.2, NM_001305182.2); short protein forms M1V.
Identifiers: ClinVar variation 5018733 (VCV005018733.2).

ClinVar aggregate classification (germline): Uncertain significance (1 of 4 stars; one submission).

Conditions:
Progressive spondyloepimetaphyseal dysplasia-short stature-short fourth metatarsals-intellectual disability syndrome. Also called: SPONDYLOEPIMETAPHYSEAL DYSPLASIA, PROGRESSIVE, WITH SHORT STATURE, FACIAL DYSMORPHISM, SHORT FOURTH METATARSALS, AND MENTAL RETARDATION, WITH OR WITHOUT CRANIOSYNOSTOSIS; Spondyloepimetaphyseal dysplasia, Faden-Alkuraya type. Identifiers: Orphanet 457395, MedGen C5568882, MONDO:0014748, OMIM 616723.

Submission:

Juno Genomics, Hangzhou Juno Genomics, Inc
Classification: Uncertain significance for Progressive spondyloepimetaphyseal dysplasia-short stature-short fourth metatarsals-intellectual disability syndrome. Review status: criteria provided, single submitter. Criteria: ACMG Guidelines, 2015. Collection method: clinical testing. Allele origin: germline.
Comment: Absent from controls (or at extremely low frequency if recessive) in Genome Aggregation Database.;Null variant in a gene where loss of function (LOF) is a known mechanism of disease.